The following is an entry in ClinVar:

NM_032861.4(SERAC1):c.1916G>A (p.Arg639His)

Gene: SERAC1 (serine active site containing 1; minus strand). Cytogenetic location: 6q25.3.
Variant type: single nucleotide variant.
Coding change: c.1916G>A on transcript NM_032861.4 (MANE Select); coding-DNA position 1916, G replaced by A.
Protein change: p.Arg639His; replaces arginine 639 with histidine.
Molecular consequence: missense variant.
Genome position (GRCh38, 1-based): chr6:158,111,415, C>T on the plus strand (G>A on the coding strand, the complement: SERAC1 is on the minus strand). VCF-style: chr6-158111415-C-T. GRCh37 (hg19) VCF-style: chr6-158532447-C-T.
Other names: short protein forms R639H.
Identifiers: ClinVar variation 2177816 (VCV002177816.1), dbSNP rs768913919, ClinGen allele CA320094.

ClinVar aggregate classification (germline): Uncertain significance (1 of 4 stars; one submission).

Conditions:
3-methylglutaconic aciduria with deafness, encephalopathy, and Leigh-like syndrome (MEGDEL). Also called: 3-METHYLGLUTACONIC ACIDURIA, TYPE VI; SERAC1 Deficiency; MEGDEL syndrome. Identifiers: Orphanet 352328, MedGen C4040739, MONDO:0013875, OMIM 614739.

Allele frequency attached by ClinVar (database versions not stated): gnomAD 0.00003; gnomAD exomes 0.00004; ExAC 0.00006.
gnomAD v4.1: 72 of 1,610,536 alleles (0.0045%); highest among the groups gnomAD compares: Middle Eastern, 0.05%; 1 homozygote.

Submission:

Labcorp Genetics (formerly Invitae), Labcorp
Classification: Uncertain significance for 3-methylglutaconic aciduria with deafness, encephalopathy, and Leigh-like syndrome. Last evaluated: 2022-08-10. Review status: criteria provided, single submitter. Criteria: Invitae Variant Classification Sherloc (09022015). Collection method: clinical testing. Allele origin: germline.
Comment: This sequence change replaces arginine, which is basic and polar, with histidine, which is basic and polar, at codon 639 of the SERAC1 protein (p.Arg639His). This variant is present in population databases (rs768913919, gnomAD 0.01%). This variant has not been reported in the literature in individuals affected with SERAC1-related conditions. Algorithms developed to predict the effect of missense changes on protein structure and function are either unavailable or do not agree on the potential impact of this missense change (SIFT: "Tolerated"; PolyPhen-2: "Possibly Damaging"; Align-GVGD: "Class C0"). In summary, the available evidence is currently insufficient to determine the role of this variant in disease. Therefore, it has been classified as a Variant of Uncertain Significance.